The following is an entry in ClinVar:

ClinVar aggregate classification (germline): Benign (1 of 4 stars; one submission).

Conditions:
Myoglobinuria, acute recurrent, autosomal recessive. Also called: MYOGLOBINURIA, FAMILIAL PAROXYSMAL PARALYTIC; RHABDOMYOLYSIS, ACUTE RECURRENT; Myoglobinuria, recurrent, autosomal recessive. Identifiers: Orphanet 99845, MedGen C1849386, MONDO:0009992, OMIM 268200.

Allele frequency attached by ClinVar (database versions not stated): gnomAD 0.00126 and 0.00137; TOPMed 0.00214; 1000 Genomes Project 0.00319; 1000 Genomes Project 30x 0.00390.

Submission:

Illumina Laboratory Services, Illumina
Classification: Benign for Myoglobinuria, acute recurrent, autosomal recessive. Last evaluated: 2018-01-13. Review status: criteria provided, single submitter. Criteria: ICSL Variant Classification Criteria 13 December 2019. Collection method: clinical testing. Allele origin: germline.
Comment: This variant was observed in the ICSL laboratory as part of a predisposition screen in an ostensibly healthy population. It had not been previously curated by ICSL or reported in the Human Gene Mutation Database (HGMD: prior to June 1st, 2018), and was therefore a candidate for classification through an automated scoring system. Utilizing variant allele frequency, disease prevalence and penetrance estimates, and inheritance mode, an automated score was calculated to assess if this variant is too frequent to cause the disease. Based on the score and internal cut-off values, a variant classified as benign is not then subjected to further curation. The score for this variant resulted in a classification of benign for this disease.

NM_001349206.2(LPIN1):c.*1671C>T

Gene: LPIN1 (lipin 1; plus strand). Cytogenetic location: 2p25.1.
Variant type: single nucleotide variant.
Coding change: c.*1671C>T on transcript NM_001349206.2 (MANE Select); 1671 bases downstream of the stop codon, C replaced by T.
Molecular consequence: 3 prime UTR variant. On other transcripts: non-coding transcript variant (1).
Genome position (GRCh38, 1-based): chr2:11,826,462, C>T. VCF-style: chr2-11826462-C-T. GRCh37 (hg19) VCF-style: chr2-11966588-C-T.
Other names: c.*1671C>T (NM_001261427.3, NM_001261428.3, NM_001349199.2 and 9 more transcripts).
Identifiers: ClinVar variation 330943 (VCV000330943.5), dbSNP rs187684475, ClinGen allele CA10610681.
Genomic context (GRCh38, chr2:11,826,462, plus strand): 5'-ATTCCCTTTTGCAGGTATTAAAAATAATTAAAAATAGTCCTGCCTGAGGTTGCAGTGAGC[C>T]GAGCTTGCACTACTGCACTCCAGCCTGGGTGACAGAGTAAGACTCCATGTCAAAAAAAAA-3'